The following is an entry in ClinVar:

NM_001174089.2(SLC4A11):c.44-353G>A

Gene: SLC4A11 (solute carrier family 4 member 11; minus strand). Cytogenetic location: 20p13.
Variant type: single nucleotide variant.
Coding change: c.44-353G>A on transcript NM_001174089.2 (MANE Select); 353 bases into the intron before coding-DNA position 44, G replaced by A.
Molecular consequence: intron variant. On other transcripts: missense variant (2), non-coding transcript variant (2).
Genome position (GRCh38, 1-based): chr20:3,237,941, C>T on the plus strand (G>A on the coding strand, the complement: SLC4A11 is on the minus strand). VCF-style: chr20-3237941-C-T. GRCh37 (hg19) VCF-style: chr20-3218587-C-T.
Other names: c.124G>A, p.Ala42Thr (NM_001174090.2, NM_001400280.1); c.-14-353G>A (NM_001400277.1, NM_001400278.1, NM_001400279.1); c.44-353G>A (NM_001363745.2); short protein forms A42T.
Identifiers: ClinVar variation 3067552 (VCV003067552.21), dbSNP rs2068037694, ClinGen allele CA408065110.

ClinVar aggregate classification (germline): Uncertain significance (1 of 4 stars; one submission).

Allele frequency attached by ClinVar (database versions not stated): TOPMed 0.00001.
gnomAD v4.1: 1 of 1,550,636 alleles (0.000064%); no homozygotes.

Submission:

CeGaT Center for Human Genetics Tuebingen
Classification: Uncertain significance. Last evaluated: 2024-03-01. Review status: criteria provided, single submitter. Criteria: CeGaT Center For Human Genetics Tuebingen Variant Classification Criteria Version 2. Collection method: clinical testing. Allele origin: germline. Affected: yes. Observed: 1 variant allele.
Comment: SLC4A11: PM2, BP4